The following is an entry in ClinVar:

NM_000278.5(PAX2):c.873G>T (p.Glu291Asp)

Gene: PAX2 (paired box 2; plus strand). Cytogenetic location: 10q24.31.
Variant type: single nucleotide variant.
Coding change: c.873G>T on transcript NM_000278.5 (MANE Select); coding-DNA position 873, G replaced by T.
Protein change: p.Glu291Asp; replaces glutamic acid 291 with aspartic acid.
Molecular consequence: missense variant.
Genome position (GRCh38, 1-based): chr10:100,809,190, G>T. VCF-style: chr10-100809190-G-T. GRCh37 (hg19) VCF-style: chr10-102568947-G-T.
Other names: c.966G>T, p.Glu322Asp (NM_001304569.2); c.942G>T, p.Glu314Asp (NM_003987.5, NM_003990.5); c.873G>T, p.Glu291Asp (NM_003988.5, NM_003989.5); short protein forms E291D, E322D, E314D.
Identifiers: ClinVar variation 3304465 (VCV003304465.3).
Genomic context (GRCh38, chr10:100,809,190, plus strand): 5'-AGCCCTGACCCCTGGGCTTGATGAAGTCAAGTCGAGTCTATCTGCATCCACCAACCCTGA[G>T]CTGGGCAGCAACGTGTCAGGCACACAGACATACCCAGTTGTGACTGGTAAGGGGGCTTCC-3'
Protein context (NP_000269.3, residues 281-301): KSSLSASTNP[Glu291Asp]LGSNVSGTQT

ClinVar aggregate classification (germline): Uncertain significance. Review status: criteria provided, multiple submitters, no conflicts (2 of 4 stars). 2 submissions from 2 submitters: Uncertain significance (2). Last evaluated 2024-06-25.

Conditions:
Renal coloboma syndrome (PAPRS). Also called: PAPILLORENAL SYNDROME; COLOBOMA OF OPTIC NERVE WITH RENAL DISEASE; PAPILLORENAL SYNDROME WITH MILD OCULAR ABNORMALITIES; CONGENITAL ANOMALIES OF THE KIDNEY AND URINARY TRACT WITH OR WITHOUT OCULAR ABNORMALITIES; CAKUT WITH OR WITHOUT OCULAR ABNORMALITIES; OPTIC COLOBOMA, VESICOURETERAL REFLUX, AND RENAL ANOMALIES. Identifiers: Orphanet 1475, MedGen C1852759, MONDO:0007352, OMIM 120330.
Focal segmental glomerulosclerosis 7 (FSGS7). Identifiers: Orphanet 656, MedGen C4014925, MONDO:0014451, OMIM 616002.
Inborn genetic diseases. Identifiers: MedGen C0950123, MeSH D030342.

gnomAD v4.1: 41 of 1,613,878 alleles (0.0025%); highest among the groups gnomAD compares: Non-Finnish European, 0.0031%; no homozygotes.

Submissions (2):

Labcorp Genetics (formerly Invitae), Labcorp
Classification: Uncertain significance for Renal coloboma syndrome; Focal segmental glomerulosclerosis 7. Last evaluated: 2024-06-25. Review status: criteria provided, single submitter. Criteria: Invitae Variant Classification Sherloc (09022015). Collection method: clinical testing. Allele origin: germline.
Comment: This sequence change replaces glutamic acid, which is acidic and polar, with aspartic acid, which is acidic and polar, at codon 291 of the PAX2 protein (p.Glu291Asp). This variant is present in population databases (no rsID available, gnomAD 0.002%). This variant has not been reported in the literature in individuals affected with PAX2-related conditions. Algorithms developed to predict the effect of missense changes on protein structure and function output the following: SIFT: "Not Available"; PolyPhen-2: "Not Available"; Align-GVGD: "Not Available". The aspartic acid amino acid residue is found in multiple mammalian species, which suggests that this missense change does not adversely affect protein function. In summary, the available evidence is currently insufficient to determine the role of this variant in disease. Therefore, it has been classified as a Variant of Uncertain Significance.

Ambry Genetics
Classification: Uncertain significance for Inborn genetic diseases. Last evaluated: 2024-05-01. Review status: criteria provided, single submitter. Criteria: Ambry Variant Classification Scheme 2023. Collection method: clinical testing. Allele origin: germline.